The following is an entry in ClinVar:

ClinVar aggregate classification (germline): Benign. Review status: criteria provided, multiple submitters, no conflicts (2 of 4 stars). 3 submissions from 3 submitters: Benign (2). 1 of the submissions does not count toward it. Last evaluated 2017-12-14.

Conditions:
CPZ-related disorder. Also called: CPZ-related condition.

Allele frequency attached by ClinVar (database versions not stated): gnomAD exomes 0.00040 and 0.00101; ExAC 0.00115; gnomAD 0.00437 and 0.00396; ESP Exome Variant Server 0.00484; 1000 Genomes Project 0.00359; TOPMed 0.00434; 1000 Genomes Project 30x 0.00390.
gnomAD v4.1: 1,192 of 1,614,128 alleles (0.074%); highest among the groups gnomAD compares: African/African-American, 1.4%; 8 homozygotes.

Submissions (3):

Labcorp Genetics (formerly Invitae), Labcorp
Classification: Benign. Last evaluated: 2017-12-14. Review status: criteria provided, single submitter. Criteria: Invitae Variant Classification Sherloc (09022015). Collection method: clinical testing. Allele origin: germline.

Breakthrough Genomics
Classification: Benign. Review status: criteria provided, single submitter. Criteria: ACMG Guidelines, 2015. Collection method: not provided. Allele origin: germline. Inheritance: Unknown mechanism. Affected: yes.

PreventionGenetics, part of Exact Sciences
Classification: Benign for CPZ-related condition. Last evaluated: 2020-02-18. Review status: no assertion criteria provided. Collection method: clinical testing. Allele origin: germline. Not counted in ClinVar's aggregate classification.
Comment: This variant is classified as benign based on ACMG/AMP sequence variant interpretation guidelines (Richards et al. 2015 PMID: 25741868, with internal and published modifications).

NM_001014447.3(CPZ):c.1566G>T (p.Arg522=)

Gene: CPZ (carboxypeptidase Z; plus strand). Cytogenetic location: 4p16.1.
Variant type: single nucleotide variant.
Coding change: c.1566G>T on transcript NM_001014447.3 (MANE Select); coding-DNA position 1566, G replaced by T.
Protein change: p.Arg522=; no amino-acid change (arginine 522 retained).
Molecular consequence: synonymous variant.
Genome position (GRCh38, 1-based): chr4:8,618,491, G>T. VCF-style: chr4-8618491-G-T. GRCh37 (hg19) VCF-style: chr4-8620218-G-T.
Other names: c.1155G>T, p.Arg385= (NM_001014448.3); c.1533G>T, p.Arg511= (NM_003652.4); c.1566G>T (NM_001014447.2).
Identifiers: ClinVar variation 783318 (VCV000783318.6), dbSNP rs116114355, ClinGen allele CA2853949.
Genomic context (GRCh38, chr4:8,618,491, plus strand): 5'-GCACCGGGGCATCAAAGGTGTGGTGACAGATAAATTCGGCAAGCCAGTCAAAAACGCCCG[G>T]ATCTCAGTCAAAGGCATTCGCCACGACATCACCACAGGTGAGCACGTCCCTGGCTGTCCC-3'
Protein context (NP_001014447.2, residues 512-532): DKFGKPVKNA[Arg522=]ISVKGIRHDI